The following is an entry in ClinVar:

NM_201253.3(CRB1):c.80G>T (p.Cys27Phe)

Gene: CRB1 (crumbs cell polarity complex component 1; plus strand). Cytogenetic location: 1q31.3.
Variant type: single nucleotide variant.
Coding change: c.80G>T on transcript NM_201253.3 (MANE Select); coding-DNA position 80, G replaced by T.
Protein change: p.Cys27Phe; replaces cysteine 27 with phenylalanine.
Molecular consequence: missense variant. On other transcripts: 5 prime UTR variant (1), non-coding transcript variant (2).
Genome position (GRCh38, 1-based): chr1:197,328,431, G>T. VCF-style: chr1-197328431-G-T. GRCh37 (hg19) VCF-style: chr1-197297561-G-T.
Other names: c.80G>T, p.Cys27Phe (NM_001193640.2, NM_001257966.2); c.-128G>T (NM_001257965.2); short protein forms C27F.
Identifiers: ClinVar variation 978995 (VCV000978995.6), dbSNP rs1460946384, ClinGen allele CA344084973.
Genomic context (GRCh38, chr1:197,328,431, plus strand): 5'-ACTTTGTCCTCATTTATAAATTTAATCTTGTTACTTTTTATTTCCTTGTAGATTCCTTTT[G>T]CAATAAAAACAACACCAGGTGCCTCTCAAATTCTTGCCAAAACAATTCTACATGCAAAGA-3'
Protein context (NP_957705.1, residues 17-37): SLLIYIKNSF[Cys27Phe]NKNNTRCLSN

ClinVar aggregate classification (germline): Pathogenic/Likely pathogenic. Review status: criteria provided, multiple submitters, no conflicts (2 of 4 stars). 6 submissions from 6 submitters: Pathogenic (3); Likely pathogenic (2). 1 of the submissions does not count toward it. Last evaluated 2025-09-25.

Conditions:
Retinal dystrophy. Also called: Inherited retinal dystrophy. Identifiers: Orphanet 71862, MedGen C0854723, MeSH D058499, MONDO:0019118, HP:0000556.
Leber congenital amaurosis 8 (LCA8). Identifiers: Orphanet 65, MedGen C3151202, MONDO:0013453, OMIM 613835.
Retinitis pigmentosa 12 (RP12). Also called: RP WITH OR WITHOUT PPRPE; RP WITH OR WITHOUT PRESERVED PARAARTERIOLE RETINAL PIGMENT EPITHELIUM; RETINITIS PIGMENTOSA WITH OR WITHOUT PARAARTERIOLAR PRESERVATION OF RETINAL PIGMENT EPITHELIUM. Identifiers: Orphanet 791, MedGen C1838647, MONDO:0010818, OMIM 600105.
CRB1-related disorder. Also called: CRB1-related disorders; CRB1-related condition.
Autosomal recessive retinitis pigmentosa. Identifiers: MedGen C0339526.

Allele frequency attached by ClinVar (database versions not stated): gnomAD exomes below 0.00001.
gnomAD v4.1: 1 of 1,611,618 alleles (0.000062%); highest among the groups gnomAD compares: East Asian, 0.0022%; no homozygotes.

Submissions (6):

Women's Health and Genetics/Laboratory Corporation of America, LabCorp
Classification: Pathogenic for Retinal dystrophy. Last evaluated: 2025-09-25. Review status: criteria provided, single submitter. Criteria: LabCorp Variant Classification Summary - May 2015. Collection method: clinical testing. Allele origin: germline.
Comment: Variant summary: CRB1 c.80G>T (p.Cys27Phe) results in a non-conservative amino acid change in the encoded protein sequence. Algorithms developed to predict the effect of missense changes on protein structure and function all suggest that this variant is likely to be disruptive. The variant allele was found at a frequency of 4e-06 in 250346 control chromosomes (gnomAD). c.80G>T has been observed in multiple individuals affected with Retinal Dystrophy (Aldahmesh_2009, Abu-Safieh_2013, Khan_2014). These data indicate that the variant is very likely to be associated with disease. To our knowledge, no experimental evidence demonstrating an impact on protein function has been reported. The following publications have been ascertained in the context of this evaluation (PMID: 23105016, 19956407, 23767994). ClinVar contains an entry for this variant (Variation ID: 978995). Based on the evidence outlined above, the variant was classified as pathogenic.

Genomic Medicine Center of Excellence, King Faisal Specialist Hospital and Research Centre
Classification: Pathogenic for Retinitis pigmentosa 12. Last evaluated: 2024-03-25. Review status: criteria provided, single submitter. Criteria: ACMG Guidelines, 2015. Collection method: clinical testing. Allele origin: germline.

Revvity Omics, Revvity
Classification: Likely pathogenic. Last evaluated: 2023-12-07. Review status: criteria provided, single submitter. Criteria: ACMG Guidelines, 2015. Collection method: clinical testing. Allele origin: germline.

Baylor Genetics
Classification: Likely pathogenic for Leber congenital amaurosis 8. Last evaluated: 2023-07-29. Review status: criteria provided, single submitter. Criteria: ACMG Guidelines, 2015. Collection method: clinical testing. Allele origin: unknown.

Blueprint Genetics
Classification: Pathogenic for CRB1-related disorders. Last evaluated: 2019-08-08. Review status: criteria provided, single submitter. Criteria: ACMG Guidelines, 2015. Collection method: clinical testing. Allele origin: germline. Affected: yes. Observed: 2 variant alleles.

Faculty of Health Sciences, Beirut Arab University
Classification: Pathogenic for Autosomal recessive Retinitis Pigmentosa. Last evaluated: 2015-09-10. Review status: no assertion criteria provided. Collection method: literature only. Allele origin: germline. Affected: yes. Observed: 2 variant alleles. Not counted in ClinVar's aggregate classification.

Literature cited by the submitters: PubMed 23105016 (cited by Women's Health and Genetics/Laboratory Corporation of America, LabCorp and Faculty of Health Sciences, Beirut Arab University); PubMed 19956407 (cited by Women's Health and Genetics/Laboratory Corporation of America, LabCorp); PubMed 23767994 (cited by Women's Health and Genetics/Laboratory Corporation of America, LabCorp); PubMed 26355662 (cited by Faculty of Health Sciences, Beirut Arab University).